The following is an entry in ClinVar:

NM_016235.3(GPRC5B):c.177G>A (p.Val59=)

Gene: GPRC5B (G protein-coupled receptor class C group 5 member B; minus strand). Cytogenetic location: 16p12.3.
Variant type: single nucleotide variant.
Coding change: c.177G>A on transcript NM_016235.3 (MANE Select); coding-DNA position 177, G replaced by A.
Protein change: p.Val59=; no amino-acid change (valine 59 retained).
Molecular consequence: synonymous variant.
Genome position (GRCh38, 1-based): chr16:19,872,669, C>T on the plus strand (G>A on the coding strand, the complement: GPRC5B is on the minus strand). VCF-style: chr16-19872669-C-T. GRCh37 (hg19) VCF-style: chr16-19883991-C-T.
Other names: c.570G>A, p.Val190= (NM_001304771.1).
Identifiers: ClinVar variation 710821 (VCV000710821.7), dbSNP rs146958511, ClinGen allele CA7938159.
Genomic context (GRCh38, chr16:19,872,669, plus strand): 5'-CACCAGGAGGATGAGCATCAGGAGCAGTGTGATCAGGGCGCCCGCCCCGGCCACCGCCTC[C>T]ACCACAATGCCCCAGATGGCGTCCAGGTCGCACAGGGACACGTACTGAGGGAGGAGGTCC-3'
Protein context (NP_057319.1, residues 49-69): CDLDAIWGIV[Val59=]EAVAGAGALI

ClinVar aggregate classification (germline): Benign/Likely benign. Review status: criteria provided, multiple submitters, no conflicts (2 of 4 stars). 2 submissions from 2 submitters: Benign (1); Likely benign (1). Last evaluated 2026-06-01.

Allele frequency attached by ClinVar (database versions not stated): 1000 Genomes Project 30x 0.00094; 1000 Genomes Project 0.00100; TOPMed 0.00228; gnomAD exomes 0.00247 and 0.00431; gnomAD 0.00253 and 0.00254; ExAC 0.00289; ESP Exome Variant Server 0.00316.
gnomAD v4.1: 6,659 of 1,614,156 alleles (0.41%); highest among the groups gnomAD compares: Non-Finnish European, 0.51%; 13 homozygotes.

Submissions (2):

CeGaT Center for Human Genetics Tuebingen
Classification: Likely benign. Last evaluated: 2026-06-01. Review status: criteria provided, single submitter. Criteria: CeGaT Center For Human Genetics Tuebingen Variant Classification Criteria Version 2. Collection method: clinical testing. Allele origin: germline. Affected: yes. Observed: 3 variant alleles.
Comment: GPRC5B: BP4, BS2

Labcorp Genetics (formerly Invitae), Labcorp
Classification: Benign. Last evaluated: 2018-01-09. Review status: criteria provided, single submitter. Criteria: Invitae Variant Classification Sherloc (09022015). Collection method: clinical testing. Allele origin: germline.